The following is an entry in ClinVar:

NM_173628.4(DNAH17):c.12018G>A (p.Leu4006=)

Gene: DNAH17 (dynein axonemal heavy chain 17; minus strand). Cytogenetic location: 17q25.3.
Variant type: single nucleotide variant.
Coding change: c.12018G>A on transcript NM_173628.4 (MANE Select); coding-DNA position 12018, G replaced by A.
Protein change: p.Leu4006=; no amino-acid change (leucine 4006 retained).
Molecular consequence: synonymous variant.
Genome position (GRCh38, 1-based): chr17:78,437,656, C>T on the plus strand (G>A on the coding strand, the complement: DNAH17 is on the minus strand). VCF-style: chr17-78437656-C-T. GRCh37 (hg19) VCF-style: chr17-76433738-C-T.
Other names: c.12018G>A (NM_173628.3).
Identifiers: ClinVar variation 3025071 (VCV003025071.23), dbSNP rs139298784, ClinGen allele CA8800239.

ClinVar aggregate classification (germline): Likely benign. Review status: criteria provided, single submitter (1 of 4 stars). 2 submissions from 2 submitters: Likely benign (1). 1 of the submissions does not count toward it. Last evaluated 2024-01-01.

Conditions:
DNAH17-related disorder. Also called: DNAH17-related condition.

Allele frequency attached by ClinVar (database versions not stated): 1000 Genomes Project 0.00040; 1000 Genomes Project 30x 0.00047; ESP Exome Variant Server 0.00077; ExAC 0.00096; TOPMed 0.00119; gnomAD exomes 0.00120; gnomAD 0.00129.
gnomAD v4.1: 1,939 of 1,609,696 alleles (0.12%); highest among the groups gnomAD compares: Admixed American, 0.25%; 1 homozygote.

Submissions (2):

CeGaT Center for Human Genetics Tuebingen
Classification: Likely benign. Last evaluated: 2024-01-01. Review status: criteria provided, single submitter. Criteria: CeGaT Center For Human Genetics Tuebingen Variant Classification Criteria Version 2. Collection method: clinical testing. Allele origin: germline. Affected: yes. Observed: 1 variant allele.
Comment: DNAH17: BP4, BS2

PreventionGenetics, part of Exact Sciences
Classification: Likely benign for DNAH17-related condition. Last evaluated: 2019-06-07. Review status: no assertion criteria provided. Collection method: clinical testing. Allele origin: germline. Not counted in ClinVar's aggregate classification.
Comment: This variant is classified as likely benign based on ACMG/AMP sequence variant interpretation guidelines (Richards et al. 2015 PMID: 25741868, with internal and published modifications).